The following is an entry in ClinVar:

ClinVar aggregate classification (germline): Uncertain significance. Review status: criteria provided, multiple submitters, no conflicts (2 of 4 stars). 8 submissions from 8 submitters: Uncertain significance (6). 2 of the submissions do not count toward it. Last evaluated 2026-01-31.

Conditions:
Cardiovascular phenotype. Identifiers: MedGen CN230736.
ALPK3-related disorder. Also called: ALPK3-related condition.

Allele frequency attached by ClinVar (database versions not stated): gnomAD exomes 0.00002 and 0.00008; ExAC 0.00011; ESP Exome Variant Server 0.00023; gnomAD 0.00025 and 0.00028; TOPMed 0.00030.
gnomAD v4.1: 73 of 1,613,682 alleles (0.0045%); highest among the groups gnomAD compares: African/African-American, 0.08%; no homozygotes.

Submissions (8):

Labcorp Genetics (formerly Invitae), Labcorp
Classification: Uncertain significance. Last evaluated: 2026-01-31. Review status: criteria provided, single submitter. Criteria: Invitae Variant Classification Sherloc (09022015). Collection method: clinical testing. Allele origin: germline.
Comment: This sequence change replaces leucine, which is neutral and non-polar, with proline, which is neutral and non-polar, at codon 1805 of the ALPK3 protein (p.Leu1805Pro). This variant is present in population databases (rs145058237, gnomAD 0.09%). This variant has not been reported in the literature in individuals affected with ALPK3-related conditions. ClinVar contains an entry for this variant (Variation ID: 1196581). Invitae Evidence Modeling of protein sequence and biophysical properties (such as structural, functional, and spatial information, amino acid conservation, physicochemical variation, residue mobility, and thermodynamic stability) indicates that this missense variant is expected to disrupt ALPK3 protein function with a positive predictive value of 80%. In summary, the available evidence is currently insufficient to determine the role of this variant in disease. Therefore, it has been classified as a Variant of Uncertain Significance.

PreventionGenetics, part of Exact Sciences
Classification: Uncertain significance for ALPK3-related condition. Last evaluated: 2025-11-25. Review status: criteria provided, single submitter. Criteria: ACMG Guidelines, 2015. Collection method: clinical testing. Allele origin: germline.
Comment: The ALPK3 c.5414T>C variant is predicted to result in the amino acid substitution p.Leu1805Pro. To our knowledge, this variant has not been reported in the literature. This variant is reported in 0.096% of alleles in individuals of African descent in gnomAD. Although we suspect that this variant may be benign, at this time, the clinical significance of this variant is uncertain due to the absence of conclusive functional and genetic evidence.

Ambry Genetics
Classification: Uncertain significance for Cardiovascular phenotype. Last evaluated: 2025-08-03. Review status: criteria provided, single submitter. Criteria: Ambry Variant Classification Scheme 2023. Collection method: clinical testing. Allele origin: germline.
Comment: The p.L1805P variant (also known as c.5414T>C), located in coding exon 14 of the ALPK3 gene, results from a T to C substitution at nucleotide position 5414. The leucine at codon 1805 is replaced by proline, an amino acid with similar properties. This amino acid position is well conserved in available vertebrate species. In addition, this alteration is predicted to be tolerated by in silico analysis. Since supporting evidence is limited at this time, the clinical significance of this alteration remains unclear.

Molecular Diagnostic Laboratory for Inherited Cardiovascular Disease, Montreal Heart Institute
Classification: Uncertain significance for Cardiovascular phenotype. Last evaluated: 2025-04-09. Review status: criteria provided, single submitter. Criteria: ACMG Guidelines, 2015. Collection method: clinical testing. Allele origin: germline. Affected: yes.
Comment: PP3, BP1

GeneDx
Classification: Uncertain significance. Last evaluated: 2024-03-25. Review status: criteria provided, single submitter. Criteria: GeneDx Variant Classification Process June 2021. Collection method: clinical testing. Allele origin: germline. Affected: yes.
Comment: Has not been previously published as pathogenic or benign to our knowledge; In silico analysis supports that this missense variant has a deleterious effect on protein structure/function

Women's Health and Genetics/Laboratory Corporation of America, LabCorp
Classification: Uncertain significance. Last evaluated: 2023-08-19. Review status: criteria provided, single submitter. Criteria: LabCorp Variant Classification Summary - May 2015. Collection method: clinical testing. Allele origin: germline.

Clinical Genetics DNA and cytogenetics Diagnostics Lab, Erasmus MC, Erasmus Medical Center
Classification: Uncertain significance. Review status: no assertion criteria provided. Collection method: clinical testing. Allele origin: germline. Affected: yes. Study: VKGL Data-share Consensus. Not counted in ClinVar's aggregate classification.

Laboratory of Diagnostic Genome Analysis, Leiden University Medical Center (LUMC)
Classification: Uncertain significance. Review status: no assertion criteria provided. Collection method: clinical testing. Allele origin: germline. Affected: yes. Study: VKGL Data-share Consensus. Not counted in ClinVar's aggregate classification.

NM_020778.5(ALPK3):c.4808T>C (p.Leu1603Pro)

Gene: ALPK3 (alpha kinase 3; plus strand). Cytogenetic location: 15q25.3.
Variant type: single nucleotide variant.
Coding change: c.4808T>C on transcript NM_020778.5 (MANE Select); coding-DNA position 4808, T replaced by C.
Protein change: p.Leu1603Pro; replaces leucine 1603 with proline.
Molecular consequence: missense variant.
Genome position (GRCh38, 1-based): chr15:84,868,146, T>C. VCF-style: chr15-84868146-T-C. GRCh37 (hg19) VCF-style: chr15-85411377-T-C.
Other names: short protein forms L1603P.
Identifiers: ClinVar variation 1196581 (VCV001196581.22), dbSNP rs145058237, ClinGen allele CA7710096.
Genomic context (GRCh38, chr15:84,868,146, plus strand): 5'-CTCAGCTCTTCCTGTCTGGCTGCAGATACCAGGGCCTCAAGGAAAGCTGCTTCCCTGCCC[T>C]GCTGGACCGGTTCGCCTCCTCCCACCAGTGCAATGCCTACTGTGAGCTGCTGGGGCTGAC-3'
Protein context (NP_065829.4, residues 1593-1613): QGLKESCFPA[Leu1603Pro]LDRFASSHQC